The following is an entry in ClinVar:

NM_007375.4(TARDBP):c.*343G>A

Gene: TARDBP (TAR DNA binding protein; plus strand). Cytogenetic location: 1p36.22.
Variant type: single nucleotide variant.
Coding change: c.*343G>A on transcript NM_007375.4 (MANE Select); 343 bases downstream of the stop codon, G replaced by A.
Molecular consequence: 3 prime UTR variant.
Genome position (GRCh38, 1-based): chr1:11,022,997, G>A. VCF-style: chr1-11022997-G-A. GRCh37 (hg19) VCF-style: chr1-11083054-G-A.
Identifiers: ClinVar variation 874755 (VCV000874755.4), dbSNP rs555353123, ClinGen allele CA17876831.
Genomic context (GRCh38, chr1:11,022,997, plus strand): 5'-GTTTCTCCTGTAATATTTTATCCCTGGACTTGTCAAGTGAATTCTTTGCATGTTCAAAAC[G>A]GAAACCATTGATTAGAACTACATTCTTTACCCCTTGTTTTAATTTGAACCCCACCATATG-3'

ClinVar aggregate classification (germline): Benign (1 of 4 stars; one submission).

Conditions:
Amyotrophic lateral sclerosis type 10 (ALS10). Also called: TARDBP-Related Amyotrophic Lateral Sclerosis-Frontotemporal Dementia; Amyotrophic lateral sclerosis 10, with or without FTD; AMYOTROPHIC LATERAL SCLEROSIS 10 WITHOUT FRONTOTEMPORAL DEMENTIA AND WITH TDP43 INCLUSIONS; AMYOTROPHIC LATERAL SCLEROSIS 10 WITH OR WITHOUT FRONTOTEMPORAL DEMENTIA AND WITH TDP43 INCLUSIONS; AMYOTROPHIC LATERAL SCLEROSIS 10 WITH OR WITHOUT FRONTOTEMPORAL DEMENTIA. Identifiers: Orphanet 275872, Orphanet 803, MedGen C2677565, MONDO:0012790, OMIM 612069.

Allele frequency attached by ClinVar (database versions not stated): 1000 Genomes Project 0.00040; TOPMed 0.00041; 1000 Genomes Project 30x 0.00047; gnomAD 0.00070 and 0.00073; gnomAD exomes 0.00093.
gnomAD v4.1: 1,259 of 1,397,554 alleles (0.09%); highest among the groups gnomAD compares: Non-Finnish European, 0.087%; 3 homozygotes.

Submission:

Illumina Laboratory Services, Illumina
Classification: Benign for Amyotrophic lateral sclerosis type 10. Last evaluated: 2018-01-13. Review status: criteria provided, single submitter. Criteria: ICSL Variant Classification Criteria 13 December 2019. Collection method: clinical testing. Allele origin: germline.
Comment: This variant was observed in the ICSL laboratory as part of a predisposition screen in an ostensibly healthy population. It had not been previously curated by ICSL or reported in the Human Gene Mutation Database (HGMD: prior to June 1st, 2018), and was therefore a candidate for classification through an automated scoring system. Utilizing variant allele frequency, disease prevalence and penetrance estimates, and inheritance mode, an automated score was calculated to assess if this variant is too frequent to cause the disease. Based on the score and internal cut-off values, a variant classified as benign is not then subjected to further curation. The score for this variant resulted in a classification of benign for this disease.